The following is an entry in ClinVar:

ClinVar aggregate classification (germline): Uncertain significance. Review status: criteria provided, multiple submitters, no conflicts (2 of 4 stars). 2 submissions from 2 submitters: Uncertain significance (2). Last evaluated 2026-04-08.

Conditions:
Inborn genetic diseases. Identifiers: MedGen C0950123, MeSH D030342.
SCAPER-related disorder. Also called: SCAPER-related condition.

gnomAD v4.1: 17 of 1,613,774 alleles (0.0011%); highest among the groups gnomAD compares: Admixed American, 0.0033%; no homozygotes.

Submissions (2):

PreventionGenetics, part of Exact Sciences
Classification: Uncertain significance for SCAPER-related condition. Last evaluated: 2026-04-08. Review status: criteria provided, single submitter. Criteria: ACMG Guidelines, 2015. Collection method: clinical testing. Allele origin: germline.
Comment: The SCAPER c.331C>T variant is predicted to result in the amino acid substitution p.Arg111Cys. To our knowledge, this variant has not been reported in the literature. This variant is reported in 0.0057% of alleles in individuals of Latino descent in gnomAD. At this time, the clinical significance of this variant is uncertain due to the absence of conclusive functional and genetic evidence.

Ambry Genetics
Classification: Uncertain significance for Inborn genetic diseases. Last evaluated: 2025-09-04. Review status: criteria provided, single submitter. Criteria: Ambry Variant Classification Scheme 2023. Collection method: clinical testing. Allele origin: germline.

NM_020843.4(SCAPER):c.331C>T (p.Arg111Cys)

Gene: SCAPER (S-phase cyclin A associated protein in the ER; minus strand). Cytogenetic location: 15q24.3.
Variant type: single nucleotide variant.
Coding change: c.331C>T on transcript NM_020843.4 (MANE Select); coding-DNA position 331, C replaced by T.
Protein change: p.Arg111Cys; replaces arginine 111 with cysteine.
Molecular consequence: missense variant. On other transcripts: 5 prime UTR variant (4), non-coding transcript variant (1).
Genome position (GRCh38, 1-based): chr15:76,841,796, G>A on the plus strand (C>T on the coding strand, the complement: SCAPER is on the minus strand). VCF-style: chr15-76841796-G-A. GRCh37 (hg19) VCF-style: chr15-77134137-G-A.
Other names: c.331C>T (NM_001353009.1); c.-567C>T (NM_001145923.2); c.331C>T, p.Arg111Cys (NM_001353009.2); c.-72C>T (NM_001353010.2, NM_001353011.2, NM_001353012.2); short protein forms R111C.
Identifiers: ClinVar variation 4160232 (VCV004160232.2).